The following is an entry in ClinVar:

ClinVar aggregate classification (germline): Conflicting classifications of pathogenicity. Review status: criteria provided, conflicting classifications (1 of 4 stars). 4 submissions from 4 submitters: Uncertain significance (1); Likely benign (3). Last evaluated 2026-01-13.

Conditions:
LOXHD1-related disorder. Also called: LOXHD1-related condition.
Inborn genetic diseases. Identifiers: MedGen C0950123, MeSH D030342.

Allele frequency attached by ClinVar (database versions not stated): gnomAD exomes 0.00007 and 0.00019; ExAC 0.00045; gnomAD 0.00060 and 0.00064; TOPMed 0.00079; 1000 Genomes Project 0.00080; ESP Exome Variant Server 0.00088; 1000 Genomes Project 30x 0.00094.

Submissions (4):

Labcorp Genetics (formerly Invitae), Labcorp
Classification: Likely benign. Last evaluated: 2026-01-13. Review status: criteria provided, single submitter. Criteria: Invitae Variant Classification Sherloc (09022015). Collection method: clinical testing. Allele origin: germline.

PreventionGenetics, part of Exact Sciences
Classification: Likely benign for LOXHD1-related condition. Last evaluated: 2025-11-10. Review status: criteria provided, single submitter. Criteria: ACMG Guidelines, 2015. Collection method: clinical testing. Allele origin: germline.
Comment: This variant is classified as likely benign based on ACMG/AMP sequence variant interpretation guidelines (Richards et al. 2015 PMID: 25741868, with internal and published modifications).

Ambry Genetics
Classification: Uncertain significance for Inborn genetic diseases. Last evaluated: 2021-08-02. Review status: criteria provided, single submitter. Criteria: Ambry Variant Classification Scheme 2023. Collection method: clinical testing. Allele origin: germline.

Laboratory for Molecular Medicine, Mass General Brigham Personalized Medicine
Classification: Likely benign. Last evaluated: 2016-02-02. Review status: criteria provided, single submitter. Criteria: LMM Criteria. Collection method: clinical testing. Allele origin: germline. Observed: 1 variant allele.
Comment: p.Ile388Val in exon 9 of LOXHD1: This variant is not expected to have clinical s ignificance because it has been identified in 0.4% (10/2744) of African chromoso mes by the Exome Aggregation Consortium (ExAC; d bSNP rs115395163).

NM_001384474.1(LOXHD1):c.1162A>G (p.Ile388Val)

Gene: LOXHD1 (lipoxygenase homology PLAT domains 1; minus strand). Cytogenetic location: 18q21.1.
Variant type: single nucleotide variant.
Coding change: c.1162A>G on transcript NM_001384474.1 (MANE Select); coding-DNA position 1162, A replaced by G.
Protein change: p.Ile388Val; replaces isoleucine 388 with valine.
Molecular consequence: missense variant.
Genome position (GRCh38, 1-based): chr18:46,594,439, T>C on the plus strand (A>G on the coding strand, the complement: LOXHD1 is on the minus strand). VCF-style: chr18-46594439-T-C. GRCh37 (hg19) VCF-style: chr18-44174402-T-C.
Other names: c.1162A>G, p.Ile388Val (NM_144612.7); short protein forms I388V.
Identifiers: ClinVar variation 227508 (VCV000227508.17), dbSNP rs115395163, ClinGen allele CA8952839.